The following is an entry in ClinVar:

ClinVar aggregate classification (germline): Pathogenic (1 of 4 stars; one submission).

Conditions:
Marfan syndrome (MFS). Also called: FBN1-Related Marfan Syndrome; MARFAN SYNDROME, TYPE I; Marfan syndrome type 1; Marfan's syndrome; Marfan syndrome, classic. Identifiers: Orphanet 284963, Orphanet 558, MedGen C0024796, MONDO:0007947, OMIM 154700.
Familial thoracic aortic aneurysm and aortic dissection (TAAD). Also called: Thoracic aortic aneurysms and dissections. Identifiers: Orphanet 91387, MedGen C4707243, MONDO:0019625.

Submission:

Labcorp Genetics (formerly Invitae), Labcorp
Classification: Pathogenic for Marfan syndrome; Familial thoracic aortic aneurysm and aortic dissection. Last evaluated: 2025-04-17. Review status: criteria provided, single submitter. Criteria: Invitae Variant Classification Sherloc (09022015). Collection method: clinical testing. Allele origin: germline.
Comment: This sequence change creates a premature translational stop signal (p.Leu674Phefs*7) in the FBN1 gene. It is expected to result in an absent or disrupted protein product. Loss-of-function variants in FBN1 are known to be pathogenic (PMID: 17657824, 19293843). This variant is not present in population databases (gnomAD no frequency). This variant has not been reported in the literature in individuals affected with FBN1-related conditions. Algorithms developed to predict the effect of sequence changes on RNA splicing suggest that this variant may disrupt the consensus splice site. For these reasons, this variant has been classified as Pathogenic.

Literature cited by the submitters: PubMed 17657824; PubMed 19293843.

NM_000138.5(FBN1):c.2021dup (p.Leu674fs)

Gene: FBN1 (fibrillin 1; minus strand). Cytogenetic location: 15q21.1.
Variant type: Duplication.
Coding change: c.2021dup on transcript NM_000138.5 (MANE Select); coding-DNA position 2021, one base duplicated (T; older notation c.2021dupT).
Protein change: p.Leu674fs; shifts the reading frame from leucine 674.
Molecular consequence: frameshift variant.
Genome position (GRCh38, 1-based): chr15:48,503,879, A duplicated on the plus strand (T on the coding strand, the reverse complement: FBN1 is on the minus strand); the first of 3 consecutive A bases (chr15:48,503,879-48,503,881); duplicating any one gives the same sequence. VCF-style (leftmost placement, unchanged base first): chr15-48503878-C-CA. GRCh37 (hg19) VCF-style: chr15-48796075-C-CA.
Other names: c.2021dup, p.Leu674fs (NM_001406716.1); short protein forms L674fs.
Identifiers: ClinVar variation 4791353 (VCV004791353.1).